The following is an entry in ClinVar:

ClinVar aggregate classification (germline): Uncertain significance. Review status: criteria provided, multiple submitters, no conflicts (2 of 4 stars). 3 submissions from 3 submitters: Uncertain significance (3). Last evaluated 2026-08-06.

Conditions:
Pontocerebellar hypoplasia type 2D (PCH2D). Also called: Progressive cerebello-cerebral atrophy. Identifiers: Orphanet 247198, Orphanet 2524, MedGen C3151140, MONDO:0013438, OMIM 613811.

Allele frequency attached by ClinVar (database versions not stated): TOPMed below 0.00001.
gnomAD v4.1: 3 of 1,613,518 alleles (0.00019%); highest among the groups gnomAD compares: Admixed American, 0.0033%; no homozygotes.

Submissions (3):

OLLIN Analises Genomicas, OLLIN
Classification: Uncertain significance for Pontocerebellar hypoplasia type 2D. Last evaluated: 2026-08-06. Review status: criteria provided, single submitter. Criteria: ACMG Guidelines 2015 PMID 25741868. Collection method: clinical testing. Allele origin: germline.
Comment: This variant, has been reported in ClinVar (accession VCV001985658.5) and in gnomAD with an allele frequency of 0.00019%. However, to our knowledge, it has not been reported in the scientific literature. Another pathogenic variant has been reported to result in the same amino acid substitution. According to the currently available evidence, this variant has been classified as uncertain significance (PS1_P, PM2_P, PP3).

Labcorp Genetics (formerly Invitae), Labcorp
Classification: Uncertain significance. Last evaluated: 2024-01-24. Review status: criteria provided, single submitter. Criteria: Invitae Variant Classification Sherloc (09022015). Collection method: clinical testing. Allele origin: germline.
Comment: This sequence change falls in intron 2 of the SEPSECS gene. It does not directly change the encoded amino acid sequence of the SEPSECS protein. It affects a nucleotide within the consensus splice site. This variant is present in population databases (no rsID available, gnomAD 0.006%). This variant has not been reported in the literature in individuals affected with SEPSECS-related conditions. ClinVar contains an entry for this variant (Variation ID: 1985658). Variants that disrupt the consensus splice site are a relatively common cause of aberrant splicing (PMID: 17576681, 9536098). Algorithms developed to predict the effect of sequence changes on RNA splicing suggest that this variant may disrupt the consensus splice site. In summary, the available evidence is currently insufficient to determine the role of this variant in disease. Therefore, it has been classified as a Variant of Uncertain Significance.

GeneDx
Classification: Uncertain significance. Last evaluated: 2023-06-20. Review status: criteria provided, single submitter. Criteria: GeneDx Variant Classification Process June 2021. Collection method: clinical testing. Allele origin: germline.
Comment: Not observed at significant frequency in large population cohorts (gnomAD); In silico analysis is inconclusive as to whether the variant alters gene splicing. In the absence of RNA/functional studies, the actual effect of this sequence change is unknown.; Has not been previously published as pathogenic or benign to our knowledge

Literature cited by the submitters: PubMed 17576681 (cited by Labcorp Genetics (formerly Invitae), Labcorp); PubMed 9536098 (cited by Labcorp Genetics (formerly Invitae), Labcorp).

NM_016955.4(SEPSECS):c.269+3A>G

Gene: SEPSECS (Sep (O-phosphoserine) tRNA:Sec (selenocysteine) tRNA synthase; minus strand). Cytogenetic location: 4p15.2.
Variant type: single nucleotide variant.
Coding change: c.269+3A>G on transcript NM_016955.4 (MANE Select); 3 bases into the intron after coding-DNA position 269, A replaced by G.
Molecular consequence: intron variant.
Genome position (GRCh38, 1-based): chr4:25,158,950, T>C on the plus strand (A>G on the coding strand, the complement: SEPSECS is on the minus strand). VCF-style: chr4-25158950-T-C. GRCh37 (hg19) VCF-style: chr4-25160572-T-C.
Identifiers: ClinVar variation 1985658 (VCV001985658.7), dbSNP rs951778859, ClinGen allele CA93587514.